The following is an entry in ClinVar:

NM_006231.4(POLE):c.5552A>G (p.Gln1851Arg)

Gene: POLE (DNA polymerase epsilon, catalytic subunit; minus strand). Cytogenetic location: 12q24.33.
Variant type: single nucleotide variant.
Coding change: c.5552A>G on transcript NM_006231.4 (MANE Select); coding-DNA position 5552, A replaced by G.
Protein change: p.Gln1851Arg; replaces glutamine 1851 with arginine.
Molecular consequence: missense variant.
Genome position (GRCh38, 1-based): chr12:132,639,125, T>C on the plus strand (A>G on the coding strand, the complement: POLE is on the minus strand). VCF-style: chr12-132639125-T-C. GRCh37 (hg19) VCF-style: chr12-133215711-T-C.
Other names: c.5552A>G (NM_006231.2); short protein forms Q1851R.
Identifiers: ClinVar variation 837026 (VCV000837026.11), dbSNP rs2042089903, ClinGen allele CA387374525.

ClinVar aggregate classification (germline): Uncertain significance. Review status: criteria provided, multiple submitters, no conflicts (2 of 4 stars). 3 submissions from 3 submitters: Uncertain significance (3). Last evaluated 2025-05-23.

Conditions:
Hereditary cancer-predisposing syndrome. Also called: Hereditary neoplastic syndrome; Neoplastic Syndromes, Hereditary; Tumor predisposition; Hereditary Cancer Syndrome. Identifiers: Orphanet 140162, MedGen C0027672, MeSH D009386, MONDO:0015356.

Submissions (3):

Ambry Genetics
Classification: Uncertain significance for Hereditary cancer-predisposing syndrome. Last evaluated: 2025-05-23. Review status: criteria provided, single submitter. Criteria: Ambry Variant Classification Scheme 2023. Collection method: clinical testing. Allele origin: germline.
Comment: The p.Q1851R variant (also known as c.5552A>G), located in coding exon 40 of the POLE gene, results from an A to G substitution at nucleotide position 5552. The amino acid change results in glutamine to arginine at codon 1851, an amino acid with highly similar properties. This amino acid position is highly conserved in available vertebrate species. In addition, the in silico prediction for this alteration is inconclusive. Based on the available evidence, the clinical significance of this variant remains unclear.

Labcorp Genetics (formerly Invitae), Labcorp
Classification: Uncertain significance. Last evaluated: 2025-02-04. Review status: criteria provided, single submitter. Criteria: Invitae Variant Classification Sherloc (09022015). Collection method: clinical testing. Allele origin: germline.
Comment: This sequence change replaces glutamine, which is neutral and polar, with arginine, which is basic and polar, at codon 1851 of the POLE protein (p.Gln1851Arg). This variant is not present in population databases (gnomAD no frequency). This variant has not been reported in the literature in individuals affected with POLE-related conditions. ClinVar contains an entry for this variant (Variation ID: 837026). An algorithm developed to predict the effect of missense changes on protein structure and function (PolyPhen-2) suggests that this variant is likely to be disruptive. In summary, the available evidence is currently insufficient to determine the role of this variant in disease. Therefore, it has been classified as a Variant of Uncertain Significance.

GeneDx
Classification: Uncertain significance. Last evaluated: 2022-11-22. Review status: criteria provided, single submitter. Criteria: GeneDx Variant Classification Process June 2021. Collection method: clinical testing. Allele origin: germline. Affected: yes.
Comment: Not observed at significant frequency in large population cohorts (gnomAD); In silico analysis supports that this missense variant does not alter protein structure/function; Has not been previously published as pathogenic or benign to our knowledge